The following is an entry in ClinVar:

ClinVar aggregate classification (germline): Likely pathogenic (1 of 4 stars; one submission).

Conditions:
Primary ciliary dyskinesia 3. Identifiers: Orphanet 244, MedGen C1837618, MONDO:0012085, OMIM 608644.

Submission:

Myriad Genetics, Inc.
Classification: Likely pathogenic for Primary ciliary dyskinesia 3. Last evaluated: 2022-03-17. Review status: criteria provided, single submitter. Criteria: Myriad Women's Health Autosomal Recessive and X-Linked Classification Criteria (2021). Collection method: clinical testing. Allele origin: unknown.
Comment: NM_001369.2(DNAH5):c.6691_6692delGA(E2231Rfs*80) is expected to be pathogenic in the context of DNAH5-related primary ciliary dyskinesia. This variant is predicted to lead to an abnormal or absent protein product due to the creation of a premature termination codon in DNAH5, a gene where loss-of-function variants are known to be pathogenic. Please note: this variant was assessed in the context of healthy population screening.

NM_001369.3(DNAH5):c.6691_6692del (p.Glu2231fs)

Gene: DNAH5 (dynein axonemal heavy chain 5; minus strand). Cytogenetic location: 5p15.2.
Variant type: Deletion.
Coding change: c.6691_6692del on transcript NM_001369.3 (MANE Select); coding-DNA positions 6691 to 6692, 2 bases deleted (GA; older notation c.6691_6692delGA).
Protein change: p.Glu2231fs; shifts the reading frame from glutamic acid 2231.
Molecular consequence: frameshift variant.
Genome position (GRCh38, 1-based): chr5:13,820,495-13,820,496, TC deleted on the plus strand (GA on the coding strand, the reverse complement: DNAH5 is on the minus strand). VCF-style (leftmost placement, unchanged base first): chr5-13820494-TTC-T. GRCh37 (hg19) VCF-style: chr5-13820603-TTC-T.
Other names: short protein forms E2231fs.
Identifiers: ClinVar variation 1725383 (VCV001725383.2), dbSNP rs2546843977, ClinGen allele CA2580072149.